The following is an entry in ClinVar:

NM_018127.7(ELAC2):c.1535dup (p.Leu513fs)

Gene: ELAC2 (elaC ribonuclease Z 2; minus strand). Cytogenetic location: 17p12.
Variant type: Duplication.
Coding change: c.1535dup on transcript NM_018127.7 (MANE Select); coding-DNA position 1535, one base duplicated (T; older notation c.1535dupT).
Protein change: p.Leu513fs; shifts the reading frame from leucine 513.
Molecular consequence: frameshift variant.
Genome position (GRCh38, 1-based): chr17:12,996,671, A duplicated on the plus strand (T on the coding strand, the reverse complement: ELAC2 is on the minus strand). VCF-style (leftmost placement, unchanged base first): chr17-12996670-C-CA. GRCh37 (hg19) VCF-style: chr17-12899987-C-CA.
Other names: c.1415dup, p.Leu473fs (NM_001165962.2); c.1532dup, p.Leu512fs (NM_173717.2); short protein forms L473fs, L512fs, L513fs.
Identifiers: ClinVar variation 2169867 (VCV002169867.4), dbSNP rs1478938317, ClinGen allele CA726201093.
Genomic context (GRCh38, chr17:12,996,670, plus strand): 5'-CACCTGGTCTCCGTAATGACGGCACAGCTGCCCAAATGTGCCCTCACCACAGTCCAGTAG[C>CA]AGAGACGTGTCGGGGCTGCAGAAGAGAAGAGGAAGAGAGTCACTGCCACTAGGAAGACTG-3'

ClinVar aggregate classification (germline): Pathogenic (1 of 4 stars; one submission).

Conditions:
Combined oxidative phosphorylation defect type 17. Also called: Combined oxidative phosphorylation deficiency 17. Identifiers: Orphanet 369913, MedGen C3809526, MONDO:0014190, OMIM 615440.

Allele frequency attached by ClinVar (database versions not stated): gnomAD exomes below 0.00001; gnomAD 0.00001; TOPMed 0.00002.

Submission:

Labcorp Genetics (formerly Invitae), Labcorp
Classification: Pathogenic for Combined oxidative phosphorylation defect type 17. Last evaluated: 2024-10-05. Review status: criteria provided, single submitter. Criteria: Invitae Variant Classification Sherloc (09022015). Collection method: clinical testing. Allele origin: germline.
Comment: This sequence change creates a premature translational stop signal (p.Leu513Alafs*6) in the ELAC2 gene. It is expected to result in an absent or disrupted protein product. Loss-of-function variants in ELAC2 are known to be pathogenic (PMID: 27769300, 31045291). This variant is not present in population databases (gnomAD no frequency). This variant has not been reported in the literature in individuals affected with ELAC2-related conditions. ClinVar contains an entry for this variant (Variation ID: 2169867). For these reasons, this variant has been classified as Pathogenic.

Literature cited by the submitters: PubMed 27769300; PubMed 31045291.